The following is an entry in ClinVar:

ClinVar aggregate classification (germline): Pathogenic. Review status: reviewed by expert panel (3 of 4 stars). 14 submissions from 14 submitters: Pathogenic (1). 13 of the submissions do not count toward it. Last evaluated 2016-09-08.

Conditions:
Hereditary breast ovarian cancer syndrome. Also called: Hereditary breast and ovarian cancer syndrome; Hereditary breast and ovarian cancer; Hereditary breast and ovarian cancer syndrome (HBOC); Breast and ovarian cancer; Hereditary breast and/or ovarian cancer syndrome; BRCA1- and BRCA2-Associated Hereditary Breast and Ovarian Cancer. Identifiers: Orphanet 145, MedGen C0677776, MeSH D061325, MONDO:0003582. Disease mechanism: loss of function.
Familial cancer of breast. Also called: BREAST CANCER, FAMILIAL; Hereditary breast cancer; hereditary breast carcinoma. Identifiers: Orphanet 227535, MedGen C0346153, MONDO:0016419, OMIM 114480. Disease mechanism: loss of function.
Hereditary cancer-predisposing syndrome. Also called: Neoplastic Syndromes, Hereditary; Tumor predisposition; Hereditary neoplastic syndrome; Hereditary Cancer Syndrome. Identifiers: Orphanet 140162, MedGen C0027672, MeSH D009386, MONDO:0015356.
Breast-ovarian cancer, familial, susceptibility to, 2 (BROVCA2). Also called: BRCA2 Hereditary Breast and Ovarian Cancer. Identifiers: Orphanet 145, MedGen C2675520, MONDO:0012933, OMIM 612555. Disease mechanism: loss of function.

Submissions (14):

Evidence-based Network for the Interpretation of Germline Mutant Alleles (ENIGMA)
Classification: Pathogenic for Breast-ovarian cancer, familial, susceptibility to, 2. Last evaluated: 2016-09-08. Review status: reviewed by expert panel. Criteria: ENIGMA BRCA1/2 Classification Criteria (2015). Collection method: curation. Allele origin: germline.
Comment: Variant allele predicted to encode a truncated non-functional protein.

Labcorp Genetics (formerly Invitae), Labcorp
Classification: Pathogenic for Hereditary breast ovarian cancer syndrome. Last evaluated: 2026-01-06. Review status: criteria provided, single submitter. Criteria: Invitae Variant Classification Sherloc (09022015). Collection method: clinical testing. Allele origin: germline. Not counted in ClinVar's aggregate classification.
Comment: This sequence change creates a premature translational stop signal (p.Pro1651Cysfs*14) in the BRCA2 gene. It is expected to result in an absent or disrupted protein product. Loss-of-function variants in BRCA2 are known to be pathogenic (PMID: 20104584). This variant is not present in population databases (gnomAD no frequency). This premature translational stop signal has been observed in individual(s) with ovarian cancer (PMID: 22006311). This variant is also known as (c.5175delAA, p.Lys1649fsX15). ClinVar contains an entry for this variant (Variation ID: 51747). For these reasons, this variant has been classified as Pathogenic.

Mayo Clinic Laboratories, Mayo Clinic
Classification: Pathogenic. Last evaluated: 2024-02-28. Review status: criteria provided, single submitter. Criteria: ACMG Guidelines, 2015. Collection method: clinical testing. Allele origin: germline. Observed: 1 variant allele. Not counted in ClinVar's aggregate classification.
Comment: PM2, PM5_strong, PVS1

ARUP Laboratories, Molecular Genetics and Genomics, ARUP Laboratories
Classification: Pathogenic. Last evaluated: 2023-09-22. Review status: criteria provided, single submitter. Criteria: ARUP Molecular Germline Variant Investigation Process 2024. Collection method: clinical testing. Allele origin: germline. Not counted in ClinVar's aggregate classification.
Comment: The BRCA2 c.4947_4948del; p.Pro1651CysfsTer14 variant (rs80359474), also published as c.5175delAA, is reported in the literature in several individuals with a personal or family history of breast and/or ovarian cancer (Guindalini 2019, Lilyquist 2017, Walsh 2011). This variant is absent from general population databases (Exome Variant Server, Genome Aggregation Database), indicating it is not a common polymorphism. This variant causes a frameshift by deleting two nucleotides, so it is predicted to result in a truncated protein or mRNA subject to nonsense-mediated decay. Based on available information, this variant is considered to be pathogenic. References: Guindalini RSC et al. Intensive Surveillance with Biannual Dynamic Contrast-Enhanced Magnetic Resonance Imaging Downstages Breast Cancer in BRCA1 Mutation Carriers. Clin Cancer Res. 2019 Mar 15;25(6):1786-1794. PMID: 30154229. Lilyquist J et al. Frequency of mutations in a large series of clinically ascertained ovarian cancer cases tested on multi-gene panels compared to reference controls. Gynecol Oncol. 2017 Nov;147(2):375-380. PMID: 28888541. Walsh T et al. Mutations in 12 genes for inherited ovarian, fallopian tube, and peritoneal carcinoma identified by massively parallel sequencing. Proc Natl Acad Sci U S A. 2011 Nov 1;108(44):18032-7. PMID: 22006311.

Ambry Genetics
Classification: Pathogenic for Hereditary cancer-predisposing syndrome. Last evaluated: 2023-02-27. Review status: criteria provided, single submitter. Criteria: Ambry Variant Classification Scheme 2023. Collection method: clinical testing. Allele origin: germline. Not counted in ClinVar's aggregate classification.
Comment: The c.4947_4948delAA pathogenic mutation, located in coding exon 10 of the BRCA2 gene, results from a deletion of two nucleotides at nucleotide positions 4947 to 4948, causing a translational frameshift with a predicted alternate stop codon (p.P1651Cfs*14). In addition to the clinical data presented in the literature, this alteration is expected to result in loss of function by premature protein truncation or nonsense-mediated mRNA decay. As such, this alteration is interpreted as a disease-causing mutation.

Revvity Omics, Revvity
Classification: Pathogenic. Last evaluated: 2022-12-07. Review status: criteria provided, single submitter. Criteria: ACMG Guidelines, 2015. Collection method: clinical testing. Allele origin: germline. Not counted in ClinVar's aggregate classification.

Baylor Genetics
Classification: Pathogenic for Familial cancer of breast. Last evaluated: 2022-11-18. Review status: criteria provided, single submitter. Criteria: ACMG Guidelines, 2015. Collection method: clinical testing. Allele origin: unknown. Not counted in ClinVar's aggregate classification.

Women's Health and Genetics/Laboratory Corporation of America, LabCorp
Classification: Pathogenic for Hereditary breast ovarian cancer syndrome. Last evaluated: 2022-03-28. Review status: criteria provided, single submitter. Criteria: LabCorp Variant Classification Summary - May 2015. Collection method: clinical testing. Allele origin: germline. Not counted in ClinVar's aggregate classification.
Comment: Variant summary: BRCA2 c.4947_4948delAA (p.Pro1651CysfsX14) results in a premature termination codon, predicted to cause a truncation of the encoded protein or absence of the protein due to nonsense mediated decay, which are commonly known mechanisms for disease. Truncations downstream of this position have been classified as pathogenic by our laboratory. The variant was absent in 242978 control chromosomes. c.4947_4948delAA has been reported in the literature in individuals affected with Breast and Ovarian Cancer (Walsh_2011) and Familial Pancreatic Cancer (Zhen_2015). To our knowledge, no experimental evidence demonstrating an impact on protein function has been reported. Seven ClinVar submitters, including one expert panel and one consortium, have assessed the variant since 2014: all have classified the variant as pathogenic. Based on the evidence outlined above, the variant was classified as pathogenic.

Color Diagnostics, LLC DBA Color Health
Classification: Pathogenic for Hereditary cancer-predisposing syndrome. Last evaluated: 2021-11-15. Review status: criteria provided, single submitter. Criteria: ACMG Guidelines, 2015. Collection method: clinical testing. Allele origin: germline. Not counted in ClinVar's aggregate classification.
Comment: This variant deletes 2 nucleotides in exon 11 of the BRCA2 gene, creating a frameshift and premature translation stop signal. This variant is expected to result in an absent or non-functional protein product. This variant has been detected in individuals affected with breast or ovarian cancer (PMID: 22006311; Color internal data). This variant has not been identified in the general population by the Genome Aggregation Database (gnomAD). Loss of BRCA2 function is a known mechanism of disease. Based on the available evidence, this variant is classified as Pathogenic.

GeneDx
Classification: Pathogenic. Last evaluated: 2020-09-22. Review status: criteria provided, single submitter. Criteria: GeneDx Variant Classification Process June 2021. Collection method: clinical testing. Allele origin: germline. Affected: yes. Not counted in ClinVar's aggregate classification.
Comment: Frameshift variant predicted to result in protein truncation or nonsense mediated decay in a gene for which loss-of-function is a known mechanism of disease; Observed in individuals with a personal or family history consistent with pathogenic variants in this gene (Walsh 2011, Zhen 2015); Truncating variants in this gene are considered pathogenic by a well-established clinical consortium and/or database; Not observed in large population cohorts (Lek 2016); Also known as c.5175_5176delAA or 5175delAA; This variant is associated with the following publications: (PMID: 22006311, 28152038, 25356972, 10923033, 30154229)

Rady Children's Institute for Genomic Medicine, Rady Children's Hospital San Diego
Classification: Pathogenic for Hereditary Breast and Ovarian Cancer Syndrome. Last evaluated: 2020-08-03. Review status: criteria provided, single submitter. Criteria: ACMG Guidelines, 2015. Collection method: clinical testing. Allele origin: germline. Affected: yes. Not counted in ClinVar's aggregate classification.
Comment: This alteration is also known as 5175delAA (PMID: 25356972). This frameshifting variant in exon 11 of 28 introduces a premature stop codon and is therefore predicted to result in loss of normal protein function through either protein truncation or nonsense-mediated mRNA decay (NMD). This variant has been previously reported as a heterozygous change in patients with breast, ovarian and pancreatic cancer (PMID: 22006311, 30154229, 25356972). Based on the available evidence, the c.4947_4948del (p.Pro1651CysfsTer14) variant is classified as Pathogenic.

Laboratory for Molecular Medicine, Mass General Brigham Personalized Medicine
Classification: Pathogenic for Hereditary breast ovarian cancer syndrome. Last evaluated: 2016-08-15. Review status: criteria provided, single submitter. Criteria: ACMG Guidelines, 2015. Collection method: clinical testing. Allele origin: germline. Inheritance: Autosomal dominant inheritance. Not counted in ClinVar's aggregate classification.
Comment: The p.Pro1651fs variant in BRCA2 has been reported in 3 individuals with BRCA2-associated cancers (Walsh 2011, Breast Cancer Information Core (BIC) database) and was absent from large population studies, though the ability of these studies to accurately detect indels may be limited. This variant is predicted to cause a frameshift, which alters the protein’s amino acid sequence beginning at position 1651 and leads to a premature termination codon 14 amino acids downstream. This alteration is then predicted to lead to a truncated or absent protein. Heterozygous loss of function of the BRCA2 gene is an established disease mechanism in individuals with hereditary breast and ovarian cancer (HBOC). In summary, this variant meets criteria to be classified as pathogenic for HBOC in an autosomal dominant manner the predicted impact to the protein.

Consortium of Investigators of Modifiers of BRCA1/2 (CIMBA), c/o University of Cambridge
Classification: Pathogenic for Breast-ovarian cancer, familial, susceptibility to, 2. Last evaluated: 2015-10-02. Review status: criteria provided, single submitter. Criteria: CIMBA Mutation Classification guidelines May 2016. Collection method: clinical testing. Allele origin: germline. Not counted in ClinVar's aggregate classification.

Breast Cancer Information Core (BIC) (BRCA2)
Classification: Pathogenic for Breast-ovarian cancer, familial 2. Last evaluated: 2004-02-20. Review status: no assertion criteria provided. Collection method: clinical testing. Allele origin: germline. Affected: yes. Observed: 2 variant alleles. Not counted in ClinVar's aggregate classification.

Literature cited by the submitters: PubMed 20104584 (cited by Labcorp Genetics (formerly Invitae), Labcorp); PubMed 22006311 (cited by 6 submitters); PubMed 25356972 (cited by Mayo Clinic Laboratories, Mayo Clinic and Women's Health and Genetics/Laboratory Corporation of America, LabCorp); PubMed 28888541 (cited by Mayo Clinic Laboratories, Mayo Clinic); PubMed 29446198 (cited by Mayo Clinic Laboratories, Mayo Clinic and Women's Health and Genetics/Laboratory Corporation of America, LabCorp); PubMed 30154229 (cited by Women's Health and Genetics/Laboratory Corporation of America, LabCorp).

NM_000059.4(BRCA2):c.4947_4948del (p.Pro1651fs)

Gene: BRCA2 (BRCA2 DNA repair associated; plus strand). Cytogenetic location: 13q13.1.
Variant type: Deletion.
Coding change: c.4947_4948del on transcript NM_000059.4 (MANE Select); coding-DNA positions 4947 to 4948, 2 bases deleted (AA; older notation c.4947_4948delAA).
Protein change: p.Pro1651fs; shifts the reading frame from proline 1651.
Molecular consequence: frameshift variant.
Genome position (GRCh38, 1-based): chr13:32,339,302-32,339,303, AA deleted; deleting any 2 consecutive bases within chr13:32,339,299-32,339,303 gives the same sequence; the c. name uses the placement nearest the transcript's 3' end. VCF-style (leftmost placement, unchanged base first): chr13-32339298-CAA-C. GRCh37 (hg19) VCF-style: chr13-32913435-CAA-C.
Other names: 5175delAA; p.Pro1651Cysfs*14; c.4947_4948delAA (NM_000059.3).
Identifiers: ClinVar variation 51747 (VCV000051747.33), dbSNP rs80359474, ClinGen allele CA021051.
Genomic context (GRCh38, chr13:32,339,298, plus strand): 5'-AAACATCAAAAAGTATCTTTTTGAAAGTTAAAGTACATGAAAATGTAGAAAAAGAAACAG[CAA>C]AAAGTCCTGCAACTTGTTACACAAATCAGTCCCCTTATTCAGTCATTGAAAATTCAGCCT-3'